The following is an entry in ClinVar:

ClinVar aggregate classification (germline): Uncertain significance (1 of 4 stars; one submission).

Conditions:
Hereditary cancer-predisposing syndrome. Also called: Tumor predisposition; Hereditary Cancer Syndrome; Neoplastic Syndromes, Hereditary; Hereditary neoplastic syndrome. Identifiers: Orphanet 140162, MedGen C0027672, MeSH D009386, MONDO:0015356.

Submission:

Ambry Genetics
Classification: Uncertain significance for Hereditary cancer-predisposing syndrome. Last evaluated: 2019-09-06. Review status: criteria provided, single submitter. Criteria: Ambry Variant Classification Scheme 2023. Collection method: clinical testing. Allele origin: germline.
Comment: The p.F107L variant (also known as c.319T>C), located in coding exon 5 of the BRCA1 gene, results from a T to C substitution at nucleotide position 319. The phenylalanine at codon 107 is replaced by leucine, an amino acid with highly similar properties. This amino acid position is well conserved in available vertebrate species. In addition, this alteration is predicted to be deleterious by in silico analysis. Since supporting evidence is limited at this time, the clinical significance of this alteration remains unclear.

Literature cited by the submitters: PubMed 25823446.

NM_007294.4(BRCA1):c.319T>C (p.Phe107Leu)

Gene: BRCA1 (BRCA1 DNA repair associated; minus strand). Cytogenetic location: 17q21.31.
Variant type: single nucleotide variant.
Coding change: c.319T>C on transcript NM_007294.4 (MANE Select); coding-DNA position 319, T replaced by C.
Protein change: p.Phe107Leu; replaces phenylalanine 107 with leucine.
Molecular consequence: missense variant. On other transcripts: non-coding transcript variant (1).
Genome position (GRCh38, 1-based): chr17:43,104,244, A>G on the plus strand (T>C on the coding strand, the complement: BRCA1 is on the minus strand). VCF-style: chr17-43104244-A-G. GRCh37 (hg19) VCF-style: chr17-41256261-A-G.
Other names: c.178T>C, p.Phe60Leu (NM_001408468.1, NM_001408469.1, NM_001408470.1 and 99 more transcripts); c.319T>C, p.Phe107Leu (NM_001408472.1, NM_001408473.1, NM_001408494.1 and 165 more transcripts); c.241T>C, p.Phe81Leu (NM_001408474.1, NM_001408475.1, NM_001408476.1 and 21 more transcripts); c.109T>C, p.Phe37Leu (NM_001408478.1, NM_001408479.1, NM_001408480.1 and 58 more transcripts); c.-63T>C (NM_001408510.1, NM_001408512.1, NM_001407959.1 and 4 more transcripts); c.310T>C, p.Phe104Leu (NM_001407646.1, NM_001407647.1, NM_001408408.1); c.187T>C, p.Phe63Leu (NM_001408451.1); short protein forms F60L, F107L, F81L, F37L, F63L, F104L.
Identifiers: ClinVar variation 823161 (VCV000823161.5), dbSNP rs878854944, ClinGen allele CA10601511.